The following is an entry in ClinVar:

NM_001330723.2(SNX27):c.1246A>G (p.Asn416Asp)

Gene: SNX27 (sorting nexin 27; plus strand). Cytogenetic location: 1q21.3.
Variant type: single nucleotide variant.
Coding change: c.1246A>G on transcript NM_001330723.2 (MANE Select); coding-DNA position 1246, A replaced by G.
Protein change: p.Asn416Asp; replaces asparagine 416 with aspartic acid.
Molecular consequence: missense variant.
Genome position (GRCh38, 1-based): chr1:151,692,441, A>G. VCF-style: chr1-151692441-A-G. GRCh37 (hg19) VCF-style: chr1-151664917-A-G.
Other names: c.1246A>G, p.Asn416Asp (NM_030918.6); short protein forms N416D.
Identifiers: ClinVar variation 573379 (VCV000573379.11), dbSNP rs1388451146, ClinGen allele CA341971558.

ClinVar aggregate classification (germline): Uncertain significance (1 of 4 stars; one submission).

Conditions:
Severe myoclonic epilepsy in infancy (DRVT). Also called: Severe Myoclonic Epilepsy in Infancy (SMEI); SEVERE MYOCLONIC EPILEPSY OF INFANCY; DEVELOPMENTAL AND EPILEPTIC ENCEPHALOPATHY 6A; Dravet syndrome; Epileptic encephalopathy, early infantile, 6 (Dravet syndrome). Identifiers: Orphanet 33069, MedGen C0751122, MONDO:0100135, OMIM 607208.

gnomAD v4.1: 1 of 1,449,898 alleles (0.000069%); highest among the groups gnomAD compares: African/African-American, 0.0017%; no homozygotes.

Submission:

Labcorp Genetics (formerly Invitae), Labcorp
Classification: Uncertain significance for Severe myoclonic epilepsy in infancy. Last evaluated: 2022-07-18. Review status: criteria provided, single submitter. Criteria: Invitae Variant Classification Sherloc (09022015). Collection method: clinical testing. Allele origin: germline.
Comment: In summary, the available evidence is currently insufficient to determine the role of this variant in disease. Therefore, it has been classified as a Variant of Uncertain Significance. This sequence change replaces asparagine, which is neutral and polar, with aspartic acid, which is acidic and polar, at codon 416 of the SNX27 protein (p.Asn416Asp). This variant is present in population databases (no rsID available, gnomAD 0.007%). This variant has not been reported in the literature in individuals affected with SNX27-related conditions. ClinVar contains an entry for this variant (Variation ID: 573379). Algorithms developed to predict the effect of missense changes on protein structure and function are either unavailable or do not agree on the potential impact of this missense change (SIFT: "Deleterious"; PolyPhen-2: "Benign"; Align-GVGD: "Class C0").